The following is an entry in ClinVar:

NM_018969.6(GPR173):c.868G>A (p.Ala290Thr)

Gene: GPR173 (G protein-coupled receptor 173; plus strand). Cytogenetic location: Xp11.22.
Variant type: single nucleotide variant.
Coding change: c.868G>A on transcript NM_018969.6 (MANE Select); coding-DNA position 868, G replaced by A.
Protein change: p.Ala290Thr; replaces alanine 290 with threonine.
Molecular consequence: missense variant.
Genome position (GRCh38, 1-based): chrX:53,077,489, G>A. VCF-style: chrX-53077489-G-A. GRCh37 (hg19) VCF-style: chrX-53106671-G-A.
Other names: short protein forms A290T.
Identifiers: ClinVar variation 4813106 (VCV004813106.1).

ClinVar aggregate classification (germline): Uncertain significance (1 of 4 stars; one submission).

Conditions:
Congenital portosystemic shunt. Identifiers: Orphanet 480531, MedGen C1290495, MONDO:0018811.

gnomAD v4.1: 55 of 1,210,413 alleles (0.0045%); highest among the groups gnomAD compares: East Asian, 0.12%; 1 homozygote.

Submission:

Department of Pediatrics, Graduate School of Medical Sciences, Kyushu University
Classification: Uncertain significance for Congenital portosystemic shunt. Last evaluated: 2026-02-27. Review status: criteria provided, single submitter. Criteria: ACMG Guidelines, 2015. Collection method: research. Allele origin: germline. Affected: yes.
Comment: The variant is absent or extremely rare in population databases including gnomAD. In silico prediction tools, including CADD, suggest a deleterious effect on the protein. However, the association between this gene and CPSS has not been established. Therefore, the clinical significance of this variant is currently classified as a variant of uncertain significance (VUS).